The following is an entry in ClinVar:

NM_000179.3(MSH6):c.4016_4017dup (p.Ser1340fs)

Gene: MSH6 (mutS homolog 6; plus strand). Cytogenetic location: 2p16.3.
Variant type: Duplication.
Coding change: c.4016_4017dup on transcript NM_000179.3 (MANE Select); coding-DNA positions 4016 to 4017, 2 bases duplicated (CT; older notation c.4016_4017dupCT).
Protein change: p.Ser1340fs; shifts the reading frame from serine 1340.
Molecular consequence: frameshift variant.
Genome position (GRCh38, 1-based): chr2:47,806,793-47,806,794, CT duplicated. VCF-style (leftmost placement, unchanged base first): chr2-47806792-G-GCT. GRCh37 (hg19) VCF-style: chr2-48033931-G-GCT.
Other names: c.3626_3627dup, p.Ser1210fs (NM_001281492.2); c.3110_3111dup, p.Ser1038fs (NM_001281493.2, NM_001281494.2); c.4016_4017dupCT (NM_000179.2); short protein forms S1038fs, S1210fs, S1340fs.
Identifiers: ClinVar variation 234626 (VCV000234626.21), dbSNP rs876661127, ClinGen allele CA10577298.

ClinVar aggregate classification (germline): Uncertain significance. Review status: criteria provided, multiple submitters, no conflicts (2 of 4 stars). 6 submissions from 6 submitters: Uncertain significance (6). Last evaluated 2025-10-02.

Conditions:
Hereditary nonpolyposis colorectal neoplasms. Identifiers: MedGen C0009405, MeSH D003123.
Lynch syndrome. Identifiers: Orphanet 144, MedGen C4552100, MONDO:0005835. Disease mechanism: loss of function.
Hereditary cancer-predisposing syndrome. Also called: Hereditary neoplastic syndrome; Hereditary Cancer Syndrome; Neoplastic Syndromes, Hereditary; Tumor predisposition. Identifiers: Orphanet 140162, MedGen C0027672, MeSH D009386, MONDO:0015356.
Endometrial carcinoma. Also called: Endometrial carcinoma, somatic. Identifiers: MedGen C0476089, MONDO:0002447, OMIM 608089, HP:0012114.

Allele frequency attached by ClinVar (database versions not stated): gnomAD exomes below 0.00001 and 0.00002; gnomAD 0.00001.

Submissions (6):

Labcorp Genetics (formerly Invitae), Labcorp
Classification: Uncertain significance for Hereditary nonpolyposis colorectal neoplasms. Last evaluated: 2025-10-02. Review status: criteria provided, single submitter. Criteria: Invitae Variant Classification Sherloc (09022015). Collection method: clinical testing. Allele origin: germline.
Comment: This sequence change creates a premature translational stop signal (p.Ser1340Leufs*7) in the MSH6 gene. While this is not anticipated to result in nonsense mediated decay, it is expected to disrupt the last 21 amino acid(s) of the MSH6 protein. This variant is present in population databases (no rsID available, gnomAD 0.002%). This variant has not been reported in the literature in individuals affected with MSH6-related conditions. ClinVar contains an entry for this variant (Variation ID: 234626). In summary, the available evidence is currently insufficient to determine the role of this variant in disease. Therefore, it has been classified as a Variant of Uncertain Significance.

Ambry Genetics
Classification: Uncertain significance for Hereditary cancer-predisposing syndrome. Last evaluated: 2025-05-19. Review status: criteria provided, single submitter. Criteria: Ambry Variant Classification Scheme 2023. Collection method: clinical testing. Allele origin: germline.
Comment: The c.4016_4017dupCT variant, located in coding exon 10 of the MSH6 gene, results from a duplication of CT at nucleotide position 4016, causing a translational frameshift with a predicted alternate stop codon (p.S1340Lfs*7). This alteration occurs at the 3' terminus of theMSH6 gene, is not expected to trigger nonsense-mediated mRNAdecay, and only impacts the last 21 amino acids of the protein. The exact functional effect of this alteration is unknown. Since supporting evidence is limited at this time, the clinical significance of this alteration remains unclear.

All of Us Research Program, National Institutes of Health
Classification: Uncertain significance for Lynch syndrome. Last evaluated: 2024-06-11. Review status: criteria provided, single submitter. Criteria: ACMG Guidelines, 2015. Collection method: clinical testing. Allele origin: germline. Inheritance: Autosomal dominant inheritance. Observed: 2 variant alleles, 2 heterozygotes.
Comment: This variant inserts 2 nucleotides in exon 10 of the MSH6 gene, creating a frameshift and premature translation stop signal in the last coding exon. This variant is not expected to trigger nonsense-mediated decay. This variant changes the 21 C-terminal amino acids in the reference MSH6 protein. To our knowledge, this variant has not been reported in individuals affected with MSH6-related disorders in the literature. This variant has been identified in 3/277834 chromosomes in the general population by the Genome Aggregation Database (gnomAD). Loss of MSH6 function is a known mechanism of disease. The available evidence is insufficient to determine the role of this variant in disease conclusively. Therefore, this variant is classified as a Variant of Uncertain Significance.

This study involves interpretation of variants in research participants for the purpose of population health screening. Participant phenotype was not available at the time of variant classification. Additional details can be found in publication PMID: 35346344, PMCID: PMC8962531

Color Diagnostics, LLC DBA Color Health
Classification: Uncertain significance for Hereditary cancer-predisposing syndrome. Last evaluated: 2024-02-07. Review status: criteria provided, single submitter. Criteria: ACMG Guidelines, 2015. Collection method: clinical testing. Allele origin: germline.
Comment: This variant inserts 2 nucleotides in exon 10 of the MSH6 gene, creating a frameshift and premature translation stop signal in the last coding exon. This variant is not expected to trigger nonsense-mediated decay. This variant changes the 21 C-terminal amino acids in the reference MSH6 protein. To our knowledge, this variant has not been reported in individuals affected with MSH6-related disorders in the literature. This variant has been identified in 3/277834 chromosomes in the general population by the Genome Aggregation Database (gnomAD). Loss of MSH6 function is a known mechanism of disease. The available evidence is insufficient to determine the role of this variant in disease conclusively. Therefore, this variant is classified as a Variant of Uncertain Significance.

Baylor Genetics
Classification: Uncertain significance for Endometrial carcinoma. Last evaluated: 2023-08-05. Review status: criteria provided, single submitter. Criteria: ACMG Guidelines, 2015. Collection method: clinical testing. Allele origin: unknown.

GeneDx
Classification: Uncertain significance. Last evaluated: 2023-04-11. Review status: criteria provided, single submitter. Criteria: GeneDx Variant Classification Process June 2021. Collection method: clinical testing. Allele origin: germline. Affected: yes.
Comment: Frameshift variant predicted to result in protein truncation as the last 21 amino acids are replaced with 6 different amino acids, although loss-of-function variants have not been reported downstream of this position in the protein; Not observed at significant frequency in large population cohorts (gnomAD); Has not been previously published as pathogenic or benign to our knowledge; This variant is associated with the following publications: (PMID: 12019211, 17531815, 21120944, 30787465)